The following is an entry in ClinVar:

ClinVar aggregate classification (germline): Uncertain significance (1 of 4 stars; one submission).

Conditions:
Ullrich congenital muscular dystrophy 2 (UCMD2). Identifiers: Orphanet 75840, MedGen C4225314, MONDO:0014654, OMIM 616470.
Bethlem myopathy 2 (BTHLM2). Identifiers: Orphanet 536516, Orphanet 610, MedGen C4225313, MONDO:0034022, OMIM 616471.

gnomAD v4.1: 1 of 1,613,538 alleles (0.000062%); highest among the groups gnomAD compares: Non-Finnish European, 0.000085%; no homozygotes.

Submission:

Labcorp Genetics (formerly Invitae), Labcorp
Classification: Uncertain significance for Bethlem myopathy 2; Ullrich congenital muscular dystrophy 2. Last evaluated: 2024-10-20. Review status: criteria provided, single submitter. Criteria: Invitae Variant Classification Sherloc (09022015). Collection method: clinical testing. Allele origin: germline.
Comment: This sequence change replaces histidine, which is basic and polar, with arginine, which is basic and polar, at codon 1491 of the COL12A1 protein (p.His1491Arg). This variant is not present in population databases (gnomAD no frequency). This variant has not been reported in the literature in individuals affected with COL12A1-related conditions. Invitae Evidence Modeling of protein sequence and biophysical properties (such as structural, functional, and spatial information, amino acid conservation, physicochemical variation, residue mobility, and thermodynamic stability) indicates that this missense variant is not expected to disrupt COL12A1 protein function with a negative predictive value of 80%. In summary, the available evidence is currently insufficient to determine the role of this variant in disease. Therefore, it has been classified as a Variant of Uncertain Significance.

NM_004370.6(COL12A1):c.4472A>G (p.His1491Arg)

Gene: COL12A1 (collagen type XII alpha 1 chain; minus strand). Cytogenetic location: 6q13.
Variant type: single nucleotide variant.
Coding change: c.4472A>G on transcript NM_004370.6 (MANE Select); coding-DNA position 4472, A replaced by G.
Protein change: p.His1491Arg; replaces histidine 1491 with arginine.
Molecular consequence: missense variant.
Genome position (GRCh38, 1-based): chr6:75,146,190, T>C on the plus strand (A>G on the coding strand, the complement: COL12A1 is on the minus strand). VCF-style: chr6-75146190-T-C. GRCh37 (hg19) VCF-style: chr6-75855906-T-C.
Other names: c.4472A>G, p.His1491Arg (NM_001424113.1, NM_001424114.1); c.4199A>G, p.His1400Arg (NM_001424115.1); c.980A>G, p.His327Arg (NM_001424116.1, NM_080645.3); short protein forms H1400R, H1491R, H327R.
Identifiers: ClinVar variation 3758368 (VCV003758368.2).
Genomic context (GRCh38, chr6:75,146,190, plus strand): 5'-TTAACAGGTTTGTATGACAAGATGTAGCCAGTAGCTCCTCCCACAGGCTGCCACTGCACA[T>C]GCATGGTGGTAGGGCCAACATCATAAATATTCAGGCTGACTACAGGCACTGGCACTTCCA-3'
Protein context (NP_004361.3, residues 1481-1501): NIYDVGPTTM[His1491Arg]VQWQPVGGAT